The following is an entry in ClinVar:

ClinVar aggregate classification (germline): Uncertain significance. Review status: criteria provided, multiple submitters, no conflicts (2 of 4 stars). 2 submissions from 2 submitters: Uncertain significance (2). Last evaluated 2026-08-21.

Conditions:
Nephronophthisis. Also called: Juvenile Nephronophthisis. Identifiers: Orphanet 655, MedGen C0687120, MONDO:0019005, HP:0000090.
Jeune thoracic dystrophy. Also called: Short-rib thoracic dysplasia; Jeune syndrome; Infantile thoracic dystrophy; Thoracic pelvic phalangeal dystrophy; Jeune's syndrome; Chondroectodermal dysplasia-like syndrome. Identifiers: Orphanet 474, MedGen C0265275, MONDO:0018770.
TTC21B-related disorder. Also called: TTC21B-related condition; TTC21B-related disorders.

Allele frequency attached by ClinVar (database versions not stated): gnomAD 0.00001 and 0.00002; TOPMed 0.00001; gnomAD exomes 0.00002.

Submissions (2):

PreventionGenetics, part of Exact Sciences
Classification: Uncertain significance for TTC21B-related condition. Last evaluated: 2026-08-21. Review status: criteria provided, single submitter. Criteria: ACMG Guidelines, 2015. Collection method: clinical testing. Allele origin: germline.
Comment: The TTC21B c.3044G>A variant is predicted to result in the amino acid substitution p.Arg1015His. This variant was reported in an individual with autism spectrum disorder (Table S1, Wang et al. 2023. PubMed ID: 37393044). This variant is reported in 0.035% of alleles in individuals of East Asian descent in gnomAD. At this time, the clinical significance of this variant is uncertain due to the absence of conclusive functional and genetic evidence.

Labcorp Genetics (formerly Invitae), Labcorp
Classification: Uncertain significance for Jeune thoracic dystrophy; Nephronophthisis. Last evaluated: 2021-09-14. Review status: criteria provided, single submitter. Criteria: Invitae Variant Classification Sherloc (09022015). Collection method: clinical testing. Allele origin: germline.
Comment: In summary, the available evidence is currently insufficient to determine the role of this variant in disease. Therefore, it has been classified as a Variant of Uncertain Significance. Algorithms developed to predict the effect of missense changes on protein structure and function output the following: SIFT: "Tolerated"; PolyPhen-2: "Benign"; Align-GVGD: "Class C0". The histidine amino acid residue is found in multiple mammalian species, which suggests that this missense change does not adversely affect protein function. This variant has not been reported in the literature in individuals affected with TTC21B-related conditions. This variant is not present in population databases (ExAC no frequency). This sequence change replaces arginine with histidine at codon 1015 of the TTC21B protein (p.Arg1015His). The arginine residue is weakly conserved and there is a small physicochemical difference between arginine and histidine.

NM_024753.5(TTC21B):c.3044G>A (p.Arg1015His)

Gene: TTC21B (tetratricopeptide repeat domain 21B; minus strand). Cytogenetic location: 2q24.3.
Variant type: single nucleotide variant.
Coding change: c.3044G>A on transcript NM_024753.5 (MANE Select); coding-DNA position 3044, G replaced by A.
Protein change: p.Arg1015His; replaces arginine 1015 with histidine.
Molecular consequence: missense variant.
Genome position (GRCh38, 1-based): chr2:165,890,895, C>T on the plus strand (G>A on the coding strand, the complement: TTC21B is on the minus strand). VCF-style: chr2-165890895-C-T. GRCh37 (hg19) VCF-style: chr2-166747405-C-T.
Other names: c.3044G>A (NM_024753.4); short protein forms R1015H.
Identifiers: ClinVar variation 1487743 (VCV001487743.5), dbSNP rs1235756793, ClinGen allele CA349048329.